The following is an entry in ClinVar:

NM_006017.3(PROM1):c.456C>G (p.Pro152=)

Gene: PROM1 (prominin 1; minus strand). Cytogenetic location: 4p15.32.
Variant type: single nucleotide variant.
Coding change: c.456C>G on transcript NM_006017.3 (MANE Select); coding-DNA position 456, C replaced by G.
Protein change: p.Pro152=; no amino-acid change (proline 152 retained).
Molecular consequence: synonymous variant.
Genome position (GRCh38, 1-based): chr4:16,033,357, G>C on the plus strand (C>G on the coding strand, the complement: PROM1 is on the minus strand). VCF-style: chr4-16033357-G-C. GRCh37 (hg19) VCF-style: chr4-16034980-G-C.
Other names: c.456C>G (NM_006017.2); c.429C>G, p.Pro143= (NM_001145847.2, NM_001145848.2, NM_001145851.2 and 4 more transcripts); c.456C>G, p.Pro152= (NM_001145849.2, NM_001145850.2).
Identifiers: ClinVar variation 811186 (VCV000811186.18), dbSNP rs377209685, ClinGen allele CA2867069.

ClinVar aggregate classification (germline): Likely benign. Review status: criteria provided, multiple submitters, no conflicts (2 of 4 stars). 4 submissions from 4 submitters: Likely benign (4). Last evaluated 2025-10-01.

Conditions:
PROM1-related disorder. Also called: PROM1-related condition; PROM1-related disorders.

Allele frequency attached by ClinVar (database versions not stated): gnomAD exomes 0.00003 and 0.00002; ExAC 0.00005; ESP Exome Variant Server 0.00017; gnomAD 0.00018 and 0.00020; TOPMed 0.00020; 1000 Genomes Project 0.00040; 1000 Genomes Project 30x 0.00047.
gnomAD v4.1: 54 of 1,613,862 alleles (0.0033%); highest among the groups gnomAD compares: African/African-American, 0.068%; no homozygotes.

Submissions (4):

Labcorp Genetics (formerly Invitae), Labcorp
Classification: Likely benign. Last evaluated: 2025-10-01. Review status: criteria provided, single submitter. Criteria: Invitae Variant Classification Sherloc (09022015). Collection method: clinical testing. Allele origin: germline.

PreventionGenetics, part of Exact Sciences
Classification: Likely benign for PROM1-related condition. Last evaluated: 2025-08-15. Review status: criteria provided, single submitter. Criteria: ACMG Guidelines, 2015. Collection method: clinical testing. Allele origin: germline.
Comment: This variant is classified as likely benign based on ACMG/AMP sequence variant interpretation guidelines (Richards et al. 2015 PMID: 25741868, with internal and published modifications).

Blueprint Genetics
Classification: Likely benign. Last evaluated: 2022-06-27. Review status: criteria provided, single submitter. Criteria: ACMG Guidelines, 2015. Collection method: clinical testing. Allele origin: germline.

ARUP Laboratories, Molecular Genetics and Genomics, ARUP Laboratories
Classification: Likely benign. Last evaluated: 2018-12-12. Review status: criteria provided, single submitter. Criteria: ARUP Molecular Germline Variant Investigation Process. Collection method: clinical testing. Allele origin: germline.